The following is an entry in ClinVar:

ClinVar aggregate classification (germline): Uncertain significance (1 of 4 stars; one submission).

Conditions:
Spastic paraplegia. Identifiers: MedGen C0037772, HP:0001258.

Submission:

Labcorp Genetics (formerly Invitae), Labcorp
Classification: Uncertain significance for Spastic paraplegia. Last evaluated: 2022-07-06. Review status: criteria provided, single submitter. Criteria: Invitae Variant Classification Sherloc (09022015). Collection method: clinical testing. Allele origin: germline.
Comment: In summary, the available evidence is currently insufficient to determine the role of this variant in disease. Therefore, it has been classified as a Variant of Uncertain Significance. Algorithms developed to predict the effect of missense changes on protein structure and function are either unavailable or do not agree on the potential impact of this missense change (SIFT: "Tolerated"; PolyPhen-2: "Possibly Damaging"; Align-GVGD: "Class C0"). ClinVar contains an entry for this variant (Variation ID: 1369219). This variant has not been reported in the literature in individuals affected with AP4S1-related conditions. This variant is not present in population databases (gnomAD no frequency). This sequence change replaces arginine, which is basic and polar, with leucine, which is neutral and non-polar, at codon 97 of the AP4S1 protein (p.Arg97Leu).

NM_001128126.3(AP4S1):c.290G>T (p.Arg97Leu)

Gene: AP4S1 (adaptor related protein complex 4 subunit sigma 1; plus strand). Cytogenetic location: 14q12.
Variant type: single nucleotide variant.
Coding change: c.290G>T on transcript NM_001128126.3 (MANE Select); coding-DNA position 290, G replaced by T.
Protein change: p.Arg97Leu; replaces arginine 97 with leucine.
Molecular consequence: missense variant.
Genome position (GRCh38, 1-based): chr14:31,072,969, G>T. VCF-style: chr14-31072969-G-T. GRCh37 (hg19) VCF-style: chr14-31542175-G-T.
Other names: c.290G>T, p.Arg97Leu (NM_001254726.2, NM_001254727.2, NM_001254728.2 and 2 more transcripts); short protein forms R97L.
Identifiers: ClinVar variation 1369219 (VCV001369219.6), dbSNP rs183487893, ClinGen allele CA389360920.